The following is an entry in ClinVar:

ClinVar aggregate classification (germline): Uncertain significance (1 of 4 stars; one submission).

gnomAD v4.1: 1 of 1,614,048 alleles (0.000062%); highest among the groups gnomAD compares: Admixed American, 0.0017%; no homozygotes.

Submission:

GeneDx
Classification: Uncertain significance. Last evaluated: 2025-07-21. Review status: criteria provided, single submitter. Criteria: GeneDx Variant Classification Process June 2021. Collection method: clinical testing. Allele origin: germline. Affected: yes.
Comment: Not observed at a significant frequency in large population cohorts (gnomAD); In silico analysis supports that this missense variant has a deleterious effect on protein structure/function; Has not been previously published as pathogenic or benign to our knowledge; In silico analysis is inconclusive as to whether the variant alters gene splicing. In the absence of RNA/functional studies, the actual effect of this sequence change is unknown.

NM_025207.5(FLAD1):c.373G>A (p.Gly125Arg)

Gene: FLAD1 (flavin adenine dinucleotide synthetase 1; plus strand). Cytogenetic location: 1q21.3.
Variant type: single nucleotide variant.
Coding change: c.373G>A on transcript NM_025207.5 (MANE Select); coding-DNA position 373, G replaced by A.
Protein change: p.Gly125Arg; replaces glycine 125 with arginine.
Molecular consequence: missense variant.
Genome position (GRCh38, 1-based): chr1:154,988,105, G>A. VCF-style: chr1-154988105-G-A. GRCh37 (hg19) VCF-style: chr1-154960581-G-A.
Other names: c.82G>A, p.Gly28Arg (NM_001184891.2, NM_201398.3); c.76G>A, p.Gly26Arg (NM_001184892.2); short protein forms G125R, G26R, G28R.
Identifiers: ClinVar variation 4686755 (VCV004686755.1).
Genomic context (GRCh38, chr1:154,988,105, plus strand): 5'-TCAACCCCTCCCCTTCATCCCTACAGTACTGATGGCCTCATCTTCCCCTTCAACCCCCAG[G>A]GACACACTCAGGACACCAACACCTTCTTTCTGTGCCGGACACTGCGCTCCCTAGGGGTCC-3'
Protein context (NP_079483.3, residues 115-135): IIIVGDEILK[Gly125Arg]HTQDTNTFFL